The following is an entry in ClinVar:

ClinVar aggregate classification (germline): Likely pathogenic. Review status: criteria provided, multiple submitters, no conflicts (2 of 4 stars). 2 submissions from 2 submitters: Likely pathogenic (2). Last evaluated 2026-01-24.

Conditions:
C1Q deficiency 2. Identifiers: MedGen C5830422, MONDO:0958187, OMIM 620321.
C1QB-related disorder. Also called: C1QB-related condition.

Submissions (2):

PreventionGenetics, part of Exact Sciences
Classification: Likely pathogenic for C1QB-related condition. Last evaluated: 2026-01-24. Review status: criteria provided, single submitter. Criteria: ACMG Guidelines, 2015. Collection method: clinical testing. Allele origin: germline.
Comment: The C1QB c.187+1G>A variant is predicted to disrupt the GT donor site and interfere with normal splicing. To our knowledge, this variant has not been reported in the literature. A different variant affecting the same consensus splice donor site, c.187+1G>T, was reported in the homozygous state in a patient with C1q deficiency, and splicing assays revealed this variant results in intron 2 retention (Higuchi et al. 2013. PubMed ID: 24160257). The c.187+1G>A variant has not been reported in a large population database (gnomAD), indicating this variant is rare. Variants that disrupt the consensus splice donor site in C1QB are expected to be pathogenic. This variant is interpreted as likely pathogenic.

Fulgent Genetics
Classification: Likely pathogenic for C1Q deficiency 2. Last evaluated: 2024-05-30. Review status: criteria provided, single submitter. Criteria: ACMG Guidelines, 2015. Collection method: clinical testing. Allele origin: germline.

NM_001378156.1(C1QB):c.181+1G>A

Gene: C1QB (complement C1q B chain; plus strand). Cytogenetic location: 1p36.12.
Variant type: single nucleotide variant.
Coding change: c.181+1G>A on transcript NM_001378156.1 (MANE Select); the canonical splice donor site of the intron after coding-DNA position 181, G replaced by A.
Molecular consequence: splice donor variant.
Genome position (GRCh38, 1-based): chr1:22,659,644, G>A. VCF-style: chr1-22659644-G-A. GRCh37 (hg19) VCF-style: chr1-22986137-G-A.
Other names: c.187+1G>A (NM_000491.4, NM_000491.5); c.181+1G>A (NM_001371184.3).
Identifiers: ClinVar variation 3580835 (VCV003580835.2).